The following is an entry in ClinVar:

NM_001083619.3(GRIA2):c.*29A>G

Gene: GRIA2 (glutamate ionotropic receptor AMPA type subunit 2; plus strand). Cytogenetic location: 4q32.1.
Variant type: single nucleotide variant.
Coding change: c.*29A>G on transcript NM_001083619.3 (MANE Select); 29 bases downstream of the stop codon, A replaced by G.
Molecular consequence: 3 prime UTR variant.
Genome position (GRCh38, 1-based): chr4:157,363,460, A>G. VCF-style: chr4-157363460-A-G. GRCh37 (hg19) VCF-style: chr4-158284612-A-G.
Other names: c.*29A>G (NM_000826.6, NM_001083620.3, NM_001379000.3 and 1 more transcripts).
Identifiers: ClinVar variation 4822783 (VCV004822783.4).

ClinVar aggregate classification (germline): Likely benign (1 of 4 stars; one submission).

gnomAD v4.1: 14 of 1,242,976 alleles (0.0011%); highest among the groups gnomAD compares: Admixed American, 0.039%; no homozygotes.

Submission:

CeGaT Center for Human Genetics Tuebingen
Classification: Likely benign. Last evaluated: 2026-03-01. Review status: criteria provided, single submitter. Criteria: CeGaT Center For Human Genetics Tuebingen Variant Classification Criteria Version 2. Collection method: clinical testing. Allele origin: germline. Affected: yes. Observed: 1 variant allele.
Comment: GRIA2: PP2, BS2